The following is an entry in ClinVar:

NM_000283.4(PDE6B):c.378del (p.Asp127fs)

Gene: PDE6B (phosphodiesterase 6B; plus strand). Cytogenetic location: 4p16.3.
Variant type: Deletion.
Coding change: c.378del on transcript NM_000283.4 (MANE Select); coding-DNA position 378, one base deleted (C; older notation c.378delC).
Protein change: p.Asp127fs; shifts the reading frame from aspartic acid 127.
Molecular consequence: frameshift variant.
Genome position (GRCh38, 1-based): chr4:626,004, C deleted; the last of 6 consecutive C bases (chr4:625,999-626,004); deleting any one gives the same sequence. VCF-style (leftmost placement, unchanged base first): chr4-625998-GC-G. GRCh37 (hg19) VCF-style: chr4-619787-GC-G.
Other names: c.378del, p.Asp127fs (NM_001145291.2); short protein forms D127fs.
Identifiers: ClinVar variation 3018508 (VCV003018508.3), dbSNP rs755325901, ClinGen allele CA1432821764.

ClinVar aggregate classification (germline): Pathogenic (1 of 4 stars; one submission).

Submission:

Labcorp Genetics (formerly Invitae), Labcorp
Classification: Pathogenic. Last evaluated: 2023-03-08. Review status: criteria provided, single submitter. Criteria: Invitae Variant Classification Sherloc (09022015). Collection method: clinical testing. Allele origin: germline.
Comment: For these reasons, this variant has been classified as Pathogenic. This variant has not been reported in the literature in individuals affected with PDE6B-related conditions. This variant is not present in population databases (gnomAD no frequency). This sequence change creates a premature translational stop signal (p.Asp127Thrfs*23) in the PDE6B gene. It is expected to result in an absent or disrupted protein product. Loss-of-function variants in PDE6B are known to be pathogenic (PMID: 8394174, 8595886, 22334370).

Literature cited by the submitters: PubMed 8394174; PubMed 8595886; PubMed 22334370.